The following is an entry in ClinVar:

NM_199420.4(POLQ):c.5407A>C (p.Ser1803Arg)

Gene: POLQ (DNA polymerase theta; minus strand). Cytogenetic location: 3q13.33.
Variant type: single nucleotide variant.
Coding change: c.5407A>C on transcript NM_199420.4 (MANE Select); coding-DNA position 5407, A replaced by C.
Protein change: p.Ser1803Arg; replaces serine 1803 with arginine.
Molecular consequence: missense variant.
Genome position (GRCh38, 1-based): chr3:121,487,524, T>G on the plus strand (A>C on the coding strand, the complement: POLQ is on the minus strand). VCF-style: chr3-121487524-T-G. GRCh37 (hg19) VCF-style: chr3-121206371-T-G.
Other names: short protein forms S1803R.
Identifiers: ClinVar variation 1747333 (VCV001747333.3), dbSNP rs762569773, ClinGen allele CA2562719.

ClinVar aggregate classification (germline): Uncertain significance (1 of 4 stars; one submission).

Allele frequency attached by ClinVar (database versions not stated): TOPMed below 0.00001; ExAC 0.00001.
gnomAD v4.1: 29 of 1,613,964 alleles (0.0018%); highest among the groups gnomAD compares: Non-Finnish European, 0.0023%; no homozygotes.

Submission:

Ambry Genetics
Classification: Uncertain significance. Last evaluated: 2024-03-30. Review status: criteria provided, single submitter. Criteria: Ambry Variant Classification Scheme 2023. Collection method: clinical testing. Allele origin: germline.
Comment: The p.S1803R variant (also known as c.5407A>C), located in coding exon 16 of the POLQ gene, results from an A to C substitution at nucleotide position 5407. The serine at codon 1803 is replaced by arginine, an amino acid with dissimilar properties. This amino acid position is conserved. In addition, this alteration is predicted to be tolerated by in silico analysis. Since supporting evidence is limited at this time, the clinical significance of this alteration remains unclear.